The following is an entry in ClinVar:

ClinVar aggregate classification (germline): Likely pathogenic. Review status: criteria provided, multiple submitters, no conflicts (2 of 4 stars). 3 submissions from 3 submitters: Likely pathogenic (2). 1 of the submissions does not count toward it. Last evaluated 2026-01-20.

Conditions:
Niemann-Pick disease, type C (NPC). Identifiers: Orphanet 646, MedGen C0220756, MONDO:0018982.
Niemann-Pick disease, type C1. Also called: NEUROVISCERAL STORAGE DISEASE WITH VERTICAL SUPRANUCLEAR OPHTHALMOPLEGIA; NIEMANN-PICK DISEASE WITH CHOLESTEROL ESTERIFICATION BLOCK; NIEMANN-PICK DISEASE WITHOUT SPHINGOMYELINASE DEFICIENCY; NIEMANN-PICK DISEASE, CHRONIC NEURONOPATHIC FORM; NIEMANN-PICK DISEASE, VARIANT TYPE C1. Identifiers: Orphanet 646, MedGen C3179455, MONDO:0009757, OMIM 257220.
Niemann-Pick disease, type C1, juvenile form. Identifiers: MedGen C4017106.

Submissions (3):

Women's Health and Genetics/Laboratory Corporation of America, LabCorp
Classification: Likely pathogenic for Niemann-Pick disease, type C. Last evaluated: 2026-01-20. Review status: criteria provided, single submitter. Criteria: LabCorp Variant Classification Summary - May 2015. Collection method: clinical testing. Allele origin: germline.
Comment: Variant summary: NPC1 c.3639G>C (p.Leu1213Phe) results in a non-conservative amino acid change in the encoded protein sequence. Algorithms developed to predict the effect of missense changes on protein structure and function all suggest that this variant is likely to be disruptive. The variant was absent in 251472 control chromosomes. c.3639G>C has been observed in two compound heterozygous siblings affected with Niemann-Pick Disease Type C (e.g. Yamamoto_1999, Yamamoto_2004). These data indicate that the variant may be associated with disease. A different variant affecting the same codon has been classified as likely pathogenic by our lab (c.3637T>G, p.Leu1213Val), supporting the critical relevance of codon 1213 to NPC1 protein function. Several publications report experimental evidence evaluating an impact on protein function, demonstrating that the variant exhibits a wild type-like trafficking pattern and trafficking efficiency, but that it appears less effective than the wild type protein at cholesterol removal (e.g. Pipalia_2017, Shammas_2020, Wang_2020). The following publications have been ascertained in the context of this evaluation (PMID: 30923329, 31509197, 15130691, 10480349, 28193631). ClinVar contains an entry for this variant (Variation ID: 2965). Based on the evidence outlined above, the variant was classified as likely pathogenic.

Natera, Inc.
Classification: Likely pathogenic for Niemann-Pick disease type C1. Last evaluated: 2024-10-23. Review status: criteria provided, single submitter. Criteria: Natera Variant Classification Schema (03/2026). Collection method: clinical testing. Allele origin: germline.
Comment: The c.3639G>C variant in NPC1 is a missense variant predicted to cause substitution of leucine to phenylalanine at amino acid 1213. This variant is rare in the general population with a frequency below the threshold expected for the associated phenotype(s). This variant has been observed in one or more individuals affected with the associated recessive disease, as either homozygous or compound heterozygous with a second variant (PMID:10480349, 15130691). This variant has been observed to segregate in affected family members (PMID:15130691). This variant has been identified in one or more affected individual with a phenotype highly consistent with the associated gene (PMID:15130691). A different variant at the same position has been determined to be Pathogenic or Likely Pathogenic. Computational prediction algorithms indicate this variant is likely to affect gene or protein function. Given the available evidence, this variant is classified as Likely Pathogenic.

OMIM
Classification: Pathogenic for NIEMANN-PICK DISEASE, TYPE C1, JUVENILE FORM. Last evaluated: 1999-07-01. Review status: no assertion criteria provided. Collection method: literature only. Allele origin: germline. Not counted in ClinVar's aggregate classification.

Literature cited by the submitters: PubMed 10480349 (cited by 3 submitters); PubMed 28193631 (cited by Women's Health and Genetics/Laboratory Corporation of America, LabCorp); PubMed 30923329 (cited by Women's Health and Genetics/Laboratory Corporation of America, LabCorp); PubMed 31509197 (cited by Women's Health and Genetics/Laboratory Corporation of America, LabCorp); PubMed 15130691 (cited by Women's Health and Genetics/Laboratory Corporation of America, LabCorp and Natera, Inc.).

NM_000271.5(NPC1):c.3639G>C (p.Leu1213Phe)

Gene: NPC1 (NPC intracellular cholesterol transporter 1; minus strand). Cytogenetic location: 18q11.2.
Variant type: single nucleotide variant.
Coding change: c.3639G>C on transcript NM_000271.5 (MANE Select); coding-DNA position 3639, G replaced by C.
Protein change: p.Leu1213Phe; replaces leucine 1213 with phenylalanine.
Molecular consequence: missense variant.
Genome position (GRCh38, 1-based): chr18:23,533,470, C>G on the plus strand (G>C on the coding strand, the complement: NPC1 is on the minus strand). VCF-style: chr18-23533470-C-G. GRCh37 (hg19) VCF-style: chr18-21113434-C-G.
Other names: c.3639G>C (NM_000271.4); short protein forms L1213F.
Identifiers: ClinVar variation 2965 (VCV000002965.4), dbSNP rs120074131, ClinGen allele CA115898.